The following is an entry in ClinVar:

ClinVar aggregate classification (germline): Uncertain significance (1 of 4 stars; one submission).

Submission:

Department of Human Genetics, University Hospital Magdeburg
Classification: Uncertain significance. Last evaluated: 2020-07-09. Review status: criteria provided, single submitter. Criteria: ACMG Guidelines, 2015. Collection method: clinical testing. Allele origin: paternal. Inheritance: Autosomal dominant inheritance. Observed: 1 variant allele.
Comment: This variant is absent from gnomAD (PM2). In-silico prediction yielded consistent results regarding a damaging effect on the protein function (PP3).

NM_144670.6(A2ML1):c.4085C>A (p.Ser1362Tyr)

Gene: A2ML1 (alpha-2-macroglobulin like 1; plus strand). Cytogenetic location: 12p13.31.
Variant type: single nucleotide variant.
Coding change: c.4085C>A on transcript NM_144670.6 (MANE Select); coding-DNA position 4085, C replaced by A.
Protein change: p.Ser1362Tyr; replaces serine 1362 with tyrosine.
Molecular consequence: missense variant.
Genome position (GRCh38, 1-based): chr12:8,868,560, C>A. VCF-style: chr12-8868560-C-A. GRCh37 (hg19) VCF-style: chr12-9021156-C-A.
Other names: c.2612C>A, p.Ser871Tyr (NM_001282424.3); short protein forms S1362Y, S871Y.
Identifiers: ClinVar variation 933224 (VCV000933224.1), dbSNP rs1944508896, ClinGen allele CA383812881.